The following is an entry in ClinVar:

NM_000275.3(OCA2):c.1999A>T (p.Ile667Phe)

Gene: OCA2 (OCA2 melanosomal transmembrane protein; minus strand). Cytogenetic location: 15q13.1.
Variant type: single nucleotide variant.
Coding change: c.1999A>T on transcript NM_000275.3 (MANE Select); coding-DNA position 1999, A replaced by T.
Protein change: p.Ile667Phe; replaces isoleucine 667 with phenylalanine.
Molecular consequence: missense variant.
Genome position (GRCh38, 1-based): chr15:27,926,207, T>A on the plus strand (A>T on the coding strand, the complement: OCA2 is on the minus strand). VCF-style: chr15-27926207-T-A. GRCh37 (hg19) VCF-style: chr15-28171353-T-A.
Other names: c.1927A>T, p.Ile643Phe (NM_001300984.2); short protein forms I643F, I667F.
Identifiers: ClinVar variation 4923602 (VCV004923602.2).
Genomic context (GRCh38, chr15:27,926,207, plus strand): 5'-CTGCAAAAAACAGAAGGGTTGCCCATTCCACTCTGTGTAGAATTATCTCAAAATCATGAA[T>A]ATCAGCTAAAATTAGCAACCAGATGGCACCCAGAATAGCAATCCATCCTGAAAATAAGTA-3'
Protein context (NP_000266.2, residues 657-677): GAIWLLILAD[Ile667Phe]HDFEIILHRV

ClinVar aggregate classification (germline): Conflicting classifications of pathogenicity. Review status: criteria provided, conflicting classifications (1 of 4 stars). 2 submissions from 2 submitters: Likely pathogenic (1); Uncertain significance (1). Last evaluated 2026-06-02.

Conditions:
Tyrosinase-positive oculocutaneous albinism (OCA2). Also called: ALBINISM II; Oculocutaneous albinism type 2; Albinism, oculocutaneous, type II. Identifiers: Orphanet 79432, MedGen C0268495, MONDO:0008746, OMIM 203200.
OCA2-related disorder. Also called: OCA2-related condition.

Submissions (2):

Myriad Genetics, Inc.
Classification: Uncertain significance for Tyrosinase-positive oculocutaneous albinism. Last evaluated: 2026-06-02. Review status: criteria provided, single submitter. Criteria: Myriad Autosomal Dominant, Autosomal Recessive and X-Linked Classification Criteria (2023). Collection method: clinical testing. Allele origin: unknown.
Comment: NM_000275.2(OCA2):c.1999A>T(I667F) is a missense variant classified as a variant of uncertain significance in the context of oculocutaneous albinism, OCA2-related. I667F has been observed in cases with relevant disease (PMID: 27734839, 37734845). Relevant functional assessments of this variant are not available in the literature. I667F has been observed in referenced population frequency databases. In summary, there is insufficient evidence to classify NM_000275.2(OCA2):c.1999A>T(I667F) as pathogenic or benign. Please note: this variant was assessed in the context of healthy population screening.

Blueprint Genetics
Classification: Likely pathogenic for OCA2-related disorders. Last evaluated: 2022-05-08. Review status: criteria provided, single submitter. Criteria: ACMG Guidelines, 2015. Collection method: clinical testing. Allele origin: germline. Affected: yes. Observed: 3 variant alleles.

Literature cited by the submitters: PubMed 27734839 (cited by Myriad Genetics, Inc.); PubMed 37734845 (cited by Myriad Genetics, Inc.).